The following is an entry in ClinVar:

NM_000088.4(COL1A1):c.370-2A>G

Gene: COL1A1 (collagen type I alpha 1 chain; minus strand). Cytogenetic location: 17q21.33.
Variant type: single nucleotide variant.
Coding change: c.370-2A>G on transcript NM_000088.4 (MANE Select); the canonical splice acceptor site of the intron before coding-DNA position 370, A replaced by G.
Molecular consequence: splice acceptor variant.
Genome position (GRCh38, 1-based): chr17:50,199,329, T>C on the plus strand (A>G on the coding strand, the complement: COL1A1 is on the minus strand). VCF-style: chr17-50199329-T-C. GRCh37 (hg19) VCF-style: chr17-48276690-T-C.
Identifiers: ClinVar variation 35921 (VCV000035921.4), dbSNP rs193922155, ClinGen allele CA260312.
Genomic context (GRCh38, chr17:50,199,329, plus strand): 5'-GGTCCGGGAAGTCCAGGCTGTCCAGGGATGCCATCTCGGCCAGGGGGGCCTGCGGGTCCC[T>C]GCAGGGGGAGAGGGCGGGGCCGGGGTGAGCGTGGGGCCGAGAGCCATGCCCACCTGCAGC-3'

ClinVar aggregate classification (germline): Likely pathogenic. Review status: criteria provided, multiple submitters, no conflicts (2 of 4 stars). 2 submissions from 2 submitters: Likely pathogenic (2). Last evaluated 2024-10-14.

Conditions:
COL1A1-related disorder. Also called: COL1A1-related condition; COL1A1- related disease.
Osteogenesis imperfecta (OI). Identifiers: Orphanet 666, MedGen C0029434, MeSH D010013, MONDO:0019019.

Submissions (2):

Blueprint Genetics
Classification: Likely pathogenic for COL1A1-related disorders. Last evaluated: 2024-10-14. Review status: criteria provided, single submitter. Criteria: ACMG Guidelines, 2015. Collection method: clinical testing. Allele origin: germline. Affected: yes. Observed: 1 variant allele.

Women's Health and Genetics/Laboratory Corporation of America, LabCorp
Classification: Likely pathogenic for Osteogenesis Imperfecta. Last evaluated: 2011-08-18. Review status: criteria provided, single submitter. Criteria: LabCorp Variant Classification Summary - May 2015. Collection method: curation, clinical testing. Allele origin: germline. Inheritance: autosomal unknown. Affected: yes.
ClinVar note: Converted during submission from likely pathogenic to Likely pathogenic.